The following is an entry in ClinVar:

NM_001114753.3(ENG):c.16C>T (p.Leu6Phe)

Gene: ENG (endoglin; minus strand). Cytogenetic location: 9q34.11.
Variant type: single nucleotide variant.
Coding change: c.16C>T on transcript NM_001114753.3 (MANE Select); coding-DNA position 16, C replaced by T.
Protein change: p.Leu6Phe; replaces leucine 6 with phenylalanine.
Molecular consequence: missense variant.
Genome position (GRCh38, 1-based): chr9:127,854,340, G>A on the plus strand (C>T on the coding strand, the complement: ENG is on the minus strand). VCF-style: chr9-127854340-G-A. GRCh37 (hg19) VCF-style: chr9-130616619-G-A.
Other names: c.16C>T, p.Leu6Phe (NM_000118.4, NM_001406715.1); short protein forms L6F.
Identifiers: ClinVar variation 2875303 (VCV002875303.3), dbSNP rs2539126481, ClinGen allele CA374989659.

ClinVar aggregate classification (germline): Uncertain significance (1 of 4 stars; one submission).

Conditions:
Hereditary hemorrhagic telangiectasia (HHT). Also called: ORW DISEASE; Osler Weber Rendu syndrome; OSLER-RENDU-WEBER DISEASE; Osler hemorrhagic telangiectasia syndrome. Identifiers: Orphanet 774, MedGen C0039445, MONDO:0019180. Disease mechanism: loss of function.

Submission:

Labcorp Genetics (formerly Invitae), Labcorp
Classification: Uncertain significance for Hereditary hemorrhagic telangiectasia. Last evaluated: 2024-01-18. Review status: criteria provided, single submitter. Criteria: Invitae Variant Classification Sherloc (09022015). Collection method: clinical testing. Allele origin: germline.
Comment: This sequence change replaces leucine, which is neutral and non-polar, with phenylalanine, which is neutral and non-polar, at codon 6 of the ENG protein (p.Leu6Phe). This variant is not present in population databases (gnomAD no frequency). This variant has not been reported in the literature in individuals affected with ENG-related conditions. Algorithms developed to predict the effect of missense changes on protein structure and function output the following: SIFT: "Not Available"; PolyPhen-2: "Benign"; Align-GVGD: "Not Available". The phenylalanine amino acid residue is found in multiple mammalian species, which suggests that this missense change does not adversely affect protein function. In summary, the available evidence is currently insufficient to determine the role of this variant in disease. Therefore, it has been classified as a Variant of Uncertain Significance.